The following is an entry in ClinVar:

NM_001378414.1(HDAC4):c.2668G>A (p.Gly890Ser)

Gene: HDAC4 (histone deacetylase 4; minus strand). Cytogenetic location: 2q37.3.
Variant type: single nucleotide variant.
Coding change: c.2668G>A on transcript NM_001378414.1 (MANE Select); coding-DNA position 2668, G replaced by A.
Protein change: p.Gly890Ser; replaces glycine 890 with serine.
Molecular consequence: missense variant.
Genome position (GRCh38, 1-based): chr2:239,081,177, C>T on the plus strand (G>A on the coding strand, the complement: HDAC4 is on the minus strand). VCF-style: chr2-239081177-C-T. GRCh37 (hg19) VCF-style: chr2-240002873-C-T.
Other names: c.2668G>A, p.Gly890Ser (NM_001378415.1); c.2653G>A, p.Gly885Ser (NM_001378416.1, NM_001378417.1, NM_006037.4); short protein forms G885S, G890S.
Identifiers: ClinVar variation 3375163 (VCV003375163.1).

ClinVar aggregate classification (germline): Uncertain significance (1 of 4 stars; one submission).

gnomAD v4.1: 4 of 1,613,400 alleles (0.00025%); highest among the groups gnomAD compares: Admixed American, 0.0033%; no homozygotes.

Submission:

Women's Health and Genetics/Laboratory Corporation of America, LabCorp
Classification: Uncertain significance. Last evaluated: 2024-09-27. Review status: criteria provided, single submitter. Criteria: LabCorp Variant Classification Summary - May 2015. Collection method: clinical testing. Allele origin: germline.
Comment: Variant summary: HDAC4 c.2653G>A (p.Gly885Ser) results in a non-conservative amino acid change located in the Histone deacetylase domain (IPR023801) of the encoded protein sequence. Five of five in-silico tools predict a damaging effect of the variant on protein function. The variant allele was found at a frequency of 1.2e-05 in 246600 control chromosomes. The available data on variant occurrences in the general population are insufficient to allow any conclusion about variant significance. To our knowledge, no occurrence of c.2653G>A in individuals affected with Neurodevelopmental Disorder With Central Hypotonia And Dysmorphic Facies and no experimental evidence demonstrating its impact on protein function have been reported. No submitters have cited clinical-significance assessments for this variant to ClinVar. Based on the evidence outlined above, the variant was classified as uncertain significance.